The following is an entry in ClinVar:

ClinVar aggregate classification (germline): Uncertain significance. Review status: criteria provided, multiple submitters, no conflicts (2 of 4 stars). 2 submissions from 2 submitters: Uncertain significance (2). Last evaluated 2025-07-31.

Conditions:
Inborn genetic diseases. Identifiers: MedGen C0950123, MeSH D030342.

Allele frequency attached by ClinVar (database versions not stated): ExAC 0.00001; gnomAD exomes 0.00001; TOPMed 0.00001.
gnomAD v4.1: 10 of 1,613,892 alleles (0.00062%); highest among the groups gnomAD compares: Admixed American, 0.0033%; no homozygotes.

Submissions (2):

Ambry Genetics
Classification: Uncertain significance for Inborn genetic diseases. Last evaluated: 2025-07-31. Review status: criteria provided, single submitter. Criteria: Ambry Variant Classification Scheme 2023. Collection method: clinical testing. Allele origin: germline.

Labcorp Genetics (formerly Invitae), Labcorp
Classification: Uncertain significance. Last evaluated: 2025-03-12. Review status: criteria provided, single submitter. Criteria: Invitae Variant Classification Sherloc (09022015). Collection method: clinical testing. Allele origin: germline.
Comment: This sequence change replaces glutamine, which is neutral and polar, with histidine, which is basic and polar, at codon 1900 of the MYO18B protein (p.Gln1900His). This variant is present in population databases (rs775422134, gnomAD 0.006%). This variant has not been reported in the literature in individuals affected with MYO18B-related conditions. ClinVar contains an entry for this variant (Variation ID: 1930910). An algorithm developed to predict the effect of missense changes on protein structure and function (PolyPhen-2) suggests that this variant is likely to be disruptive. In summary, the available evidence is currently insufficient to determine the role of this variant in disease. Therefore, it has been classified as a Variant of Uncertain Significance.

NM_032608.7(MYO18B):c.5700G>C (p.Gln1900His)

Gene: MYO18B (myosin XVIIIB; plus strand). Cytogenetic location: 22q12.1.
Variant type: single nucleotide variant.
Coding change: c.5700G>C on transcript NM_032608.7 (MANE Select); coding-DNA position 5700, G replaced by C.
Protein change: p.Gln1900His; replaces glutamine 1900 with histidine.
Molecular consequence: missense variant.
Genome position (GRCh38, 1-based): chr22:25,947,780, G>C. VCF-style: chr22-25947780-G-C. GRCh37 (hg19) VCF-style: chr22-26343746-G-C.
Other names: c.5700G>C (NM_032608.5); c.5703G>C, p.Gln1901His (NM_001318245.2); short protein forms Q1900H, Q1901H.
Identifiers: ClinVar variation 1930910 (VCV001930910.6), dbSNP rs775422134, ClinGen allele CA10161253.
Genomic context (GRCh38, chr22:25,947,780, plus strand): 5'-GCAGCTGTACAGGCTGCAGTTTGAGAAGGCGGACCTCCTGAAGCGCATCGATGAGGACCA[G>C]GATGACCTGAATGAGCTGATGCAGAAGCACAAGGACCTCATTGCTCAGGTAGTGAATGAG-3'
Protein context (NP_115997.5, residues 1890-1910): ADLLKRIDED[Gln1900His]DDLNELMQKH